The following is an entry in ClinVar:

NM_174936.4(PCSK9):c.45GCT[5] (p.Leu22_Leu23del)

Gene: PCSK9 (proprotein convertase subtilisin/kexin type 9; plus strand). Cytogenetic location: 1p32.3.
Variant type: Microsatellite.
Coding change: c.45GCT[5] on transcript NM_174936.4 (MANE Select); five copies in a row of the 3-base unit GCT starting at c.45; the reference has seven copies in a row; two copies, 6 bases deleted; also written c.60_65del.
Protein change: p.Leu22_Leu23del.
Molecular consequence: inframe deletion.
Genome position (GRCh38, 1-based): chr1:55,039,897-55,039,902, GCTGCT deleted; deleting any 6 consecutive bases within chr1:55,039,880-55,039,902 gives the same sequence; the position shown is the placement nearest the transcript's 3' end. VCF-style (leftmost placement, unchanged base first): chr1-55039879-ACTGCTG-A. GRCh37 (hg19) VCF-style: chr1-55505552-ACTGCTG-A.
Other names: c.60_65delGCTGCT (NM_174936.3); c.60_65del (NM_174936.4).
Identifiers: ClinVar variation 627764 (VCV000627764.9), dbSNP rs35574083, ClinGen allele CA871473.

ClinVar aggregate classification (germline): Conflicting classifications of pathogenicity. Review status: criteria provided, conflicting classifications (1 of 4 stars). 4 submissions from 4 submitters: Uncertain significance (2); Likely benign (2). Last evaluated 2025-10-06.

Conditions:
Familial hypercholesterolemia. Also called: Familial hypercholesterolemias; Familial hypercholesterolaemia. Identifiers: MedGen C0020445, MONDO:0005439.
Hypercholesterolemia, autosomal dominant, 3 (FHCL3). Also called: Familial Hypercholesterolemia, Autosomal Dominant, 3; PCSK9-Related Familial Hypercholesterolemia, Autosomal Dominant; Familial hypercholesterolemia 3. Identifiers: MedGen C1863551, MONDO:0011369, OMIM 603776.
Cardiovascular phenotype. Identifiers: MedGen CN230736.

Submissions (4):

Labcorp Genetics (formerly Invitae), Labcorp
Classification: Uncertain significance for Hypercholesterolemia, autosomal dominant, 3. Last evaluated: 2025-10-06. Review status: criteria provided, single submitter. Criteria: Invitae Variant Classification Sherloc (09022015). Collection method: clinical testing. Allele origin: germline.
Comment: This variant, c.60_65del, results in the deletion of 2 amino acid(s) of the PCSK9 protein (p.Leu22_Leu23del), but otherwise preserves the integrity of the reading frame. This variant is present in population databases (rs778382130, gnomAD 0.04%). This variant has not been reported in the literature in individuals affected with PCSK9-related conditions. Experimental studies and prediction algorithms are not available or were not evaluated, and the functional significance of this variant is currently unknown. In summary, the available evidence is currently insufficient to determine the role of this variant in disease. Therefore, it has been classified as a Variant of Uncertain Significance.

Color Diagnostics, LLC DBA Color Health
Classification: Uncertain significance for Familial hypercholesterolemia. Last evaluated: 2024-09-04. Review status: criteria provided, single submitter. Criteria: ACMG Guidelines, 2015. Collection method: clinical testing. Allele origin: germline.
Comment: This variant causes an in-frame deletion of two amino acids at exon 1 of the PCSK9 protein. To our knowledge, functional studies have not been reported for this variant. This variant has not been reported in individuals affected with PCSK9-related disorders in the literature. This variant has been identified in 9/161082 chromosomes in the general population by the Genome Aggregation Database (gnomAD). The available evidence is insufficient to determine the role of this variant in disease conclusively. Therefore, this variant is classified as a Variant of Uncertain Significance.

Women's Health and Genetics/Laboratory Corporation of America, LabCorp
Classification: Likely benign. Last evaluated: 2023-05-23. Review status: criteria provided, single submitter. Criteria: LabCorp Variant Classification Summary - May 2015. Collection method: clinical testing. Allele origin: germline.
Comment: Variant summary: PCSK9 c.60_65delGCTGCT (p.Leu22_Leu23del) results in an in-frame deletion that is predicted to remove two Leucine amino acids from a stretch of nine consecutive Leucines. The variant allele was found at a frequency of 5.6e-05 in 161082 control chromosomes (gnomAD). The available data on variant occurrences in the general population are insufficient to allow any conclusion about variant significance. However, the variant is located to a low complexity region, where several similar in-frame deletion/ duplication variants are reported, therefore most likely represents a repeat length polymorphism. To our knowledge, no occurrence of c.60_65delGCTGCT in individuals affected with Familial Hypercholesterolemia and no experimental evidence demonstrating its impact on protein function have been reported. Two clinical diagnostic laboratories have submitted clinical-significance assessments for this variant to ClinVar after 2014 without evidence for independent evaluation, and classified the variant as likely benign. Based on the evidence outlined above, the variant was classified as likely benign.

Ambry Genetics
Classification: Likely benign for Cardiovascular phenotype. Last evaluated: 2022-06-09. Review status: criteria provided, single submitter. Criteria: Ambry Variant Classification Scheme 2023. Collection method: clinical testing. Allele origin: germline.